The following is an entry in ClinVar:

NM_015450.3(POT1):c.574C>G (p.Pro192Ala)

Gene: POT1 (protection of telomeres 1; minus strand). Cytogenetic location: 7q31.33.
Variant type: single nucleotide variant.
Coding change: c.574C>G on transcript NM_015450.3 (MANE Select); coding-DNA position 574, C replaced by G.
Protein change: p.Pro192Ala; replaces proline 192 with alanine.
Molecular consequence: missense variant. On other transcripts: non-coding transcript variant (3).
Genome position (GRCh38, 1-based): chr7:124,859,085, G>C on the plus strand (C>G on the coding strand, the complement: POT1 is on the minus strand). VCF-style: chr7-124859085-G-C. GRCh37 (hg19) VCF-style: chr7-124499139-G-C.
Other names: c.181C>G, p.Pro61Ala (NM_001042594.2); short protein forms P61A, P192A.
Identifiers: ClinVar variation 2743523 (VCV002743523.3), dbSNP rs2116526460, ClinGen allele CA369056755.

ClinVar aggregate classification (germline): Uncertain significance (1 of 4 stars; one submission).

Conditions:
Tumor predisposition syndrome 3 (TPDS3). Also called: Glioma susceptibility 9; Melanoma, cutaneous malignant, susceptibility to, 10; LONG TELOMERE SYNDROME, POT1-RELATED; POT1 Tumor Predisposition. Identifiers: Orphanet 618, MedGen C4014476, MONDO:0014368, OMIM 615848.

Submission:

Labcorp Genetics (formerly Invitae), Labcorp
Classification: Uncertain significance for Tumor predisposition syndrome 3. Last evaluated: 2023-07-16. Review status: criteria provided, single submitter. Criteria: Invitae Variant Classification Sherloc (09022015). Collection method: clinical testing. Allele origin: germline.
Comment: This sequence change replaces proline, which is neutral and non-polar, with alanine, which is neutral and non-polar, at codon 192 of the POT1 protein (p.Pro192Ala). This variant is not present in population databases (gnomAD no frequency). This variant has not been reported in the literature in individuals affected with POT1-related conditions. Advanced modeling of protein sequence and biophysical properties (such as structural, functional, and spatial information, amino acid conservation, physicochemical variation, residue mobility, and thermodynamic stability) performed at Invitae indicates that this missense variant is not expected to disrupt POT1 protein function. In summary, the available evidence is currently insufficient to determine the role of this variant in disease. Therefore, it has been classified as a Variant of Uncertain Significance.